The following is an entry in ClinVar:

ClinVar aggregate classification (germline): Uncertain significance (1 of 4 stars; one submission).

Conditions:
Hereditary cancer-predisposing syndrome. Also called: Neoplastic Syndromes, Hereditary; Tumor predisposition; Hereditary neoplastic syndrome; Hereditary Cancer Syndrome. Identifiers: Orphanet 140162, MedGen C0027672, MeSH D009386, MONDO:0015356.

Submission:

Ambry Genetics
Classification: Uncertain significance for Hereditary cancer-predisposing syndrome. Last evaluated: 2026-04-23. Review status: criteria provided, single submitter. Criteria: Ambry Variant Classification Scheme 2023. Collection method: clinical testing. Allele origin: germline.
Comment: The p.F814L variant (also known as c.2442T>G), located in coding exon 15 of the APC gene, results from a T to G substitution at nucleotide position 2442. The phenylalanine at codon 814 is replaced by leucine, an amino acid with highly similar properties. This variant was reported in individual(s) with features consistent with APC-related familial adenomatous polyposis (Ambry internal data). This amino acid position is well conserved in available vertebrate species. In addition, in silico predictors for this gene do not accurately predict pathogenicity. Missense variants in APC are not a common cause of disease (Spier I et al. Genet Med. 2024 Feb;26(2):100992). Based on the available evidence, the clinical significance of this variant remains unclear.

NM_000038.6(APC):c.2442T>G (p.Phe814Leu)

Gene: APC (APC regulator of Wnt signaling pathway; plus strand). Cytogenetic location: 5q22.2.
Variant type: single nucleotide variant.
Coding change: c.2442T>G on transcript NM_000038.6 (MANE Select); coding-DNA position 2442, T replaced by G.
Protein change: p.Phe814Leu; replaces phenylalanine 814 with leucine.
Molecular consequence: missense variant.
Genome position (GRCh38, 1-based): chr5:112,838,036, T>G. VCF-style: chr5-112838036-T-G. GRCh37 (hg19) VCF-style: chr5-112173733-T-G.
Other names: c.2442T>G, p.Phe814Leu (NM_001127510.3, NM_001354895.2); c.2388T>G, p.Phe796Leu (NM_001127511.3); c.2496T>G, p.Phe832Leu (NM_001354896.2); c.2472T>G, p.Phe824Leu (NM_001354897.2); c.2367T>G, p.Phe789Leu (NM_001354898.2); c.2358T>G, p.Phe786Leu (NM_001354899.2); c.2319T>G, p.Phe773Leu (NM_001354900.2); c.2265T>G, p.Phe755Leu (NM_001354901.2); and 5 more; short protein forms F796L, F814L, F531L, F755L, F773L, F654L, F688L, F723L.
Identifiers: ClinVar variation 142485 (VCV000142485.4), dbSNP rs587782495, ClinGen allele CA007479.